The following is an entry in ClinVar:

NM_000443.4(ABCB4):c.1451C>T (p.Thr484Ile)

Gene: ABCB4 (ATP binding cassette subfamily B member 4; minus strand). Cytogenetic location: 7q21.12.
Variant type: single nucleotide variant.
Coding change: c.1451C>T on transcript NM_000443.4 (MANE Select); coding-DNA position 1451, C replaced by T.
Protein change: p.Thr484Ile; replaces threonine 484 with isoleucine.
Molecular consequence: missense variant.
Genome position (GRCh38, 1-based): chr7:87,440,308, G>A on the plus strand (C>T on the coding strand, the complement: ABCB4 is on the minus strand). VCF-style: chr7-87440308-G-A. GRCh37 (hg19) VCF-style: chr7-87069624-G-A.
Other names: c.1451C>T, p.Thr484Ile (NM_018849.3, NM_018850.3); short protein forms T484I.
Identifiers: ClinVar variation 4856055 (VCV004856055.1).

ClinVar aggregate classification (germline): Uncertain significance (1 of 4 stars; one submission).

Conditions:
Progressive familial intrahepatic cholestasis type 3. Also called: MDR3 DEFICIENCY; Low Gamma-GT Familial Intrahepatic Cholestasis. Identifiers: Orphanet 79305, MedGen C1865643, MONDO:0011214, OMIM 602347.

gnomAD v4.1: 3 of 1,614,094 alleles (0.00019%); highest among the groups gnomAD compares: Non-Finnish European, 0.00017%; no homozygotes.

Submission:

3billion
Classification: Uncertain significance for Progressive familial intrahepatic cholestasis type 3. Last evaluated: 2025-10-02. Review status: criteria provided, single submitter. Criteria: ACMG Guidelines, 2015. Collection method: clinical testing. Allele origin: germline. Affected: yes.
Comment: The variant is observed at an extremely low frequency in the gnomAD v4.1.0 dataset (total allele frequency: <0.001%). Predicted Consequence/Location: Missense variant In silico tool predictions suggest damaging effect of the variant on gene or gene product [REVEL: 0.73 (>=0.6, sensitivity 0.68 and specificity 0.92)]. Therefore, this variant is classified as VUS according to the recommendation of ACMG/AMP guideline.